The following is an entry in ClinVar:

ClinVar aggregate classification (germline): Uncertain significance (1 of 4 stars; one submission).

Conditions:
Multiple acyl-CoA dehydrogenase deficiency (MADD). Also called: Glutaric aciduria, type 2; Glutaric acidemia type II; GA 2; Glutaric Acidemia type 2; ETHYLMALONIC-ADIPICACIDURIA; GA II. Identifiers: Orphanet 26791, MedGen C0268596, MONDO:0009282, OMIM 231680.

Submission:

Labcorp Genetics (formerly Invitae), Labcorp
Classification: Uncertain significance for Multiple acyl-CoA dehydrogenase deficiency. Last evaluated: 2021-02-18. Review status: criteria provided, single submitter. Criteria: Invitae Variant Classification Sherloc (09022015). Collection method: clinical testing. Allele origin: germline.
Comment: In summary, the available evidence is currently insufficient to determine the role of this variant in disease. Therefore, it has been classified as a Variant of Uncertain Significance. Advanced modeling of protein sequence and biophysical properties (such as structural, functional, and spatial information, amino acid conservation, physicochemical variation, residue mobility, and thermodynamic stability) performed at Invitae indicates that this missense variant is expected to disrupt ETFDH protein function. This variant has not been reported in the literature in individuals with ETFDH-related conditions. This variant is not present in population databases (ExAC no frequency). This sequence change replaces cysteine with glycine at codon 118 of the ETFDH protein (p.Cys118Gly). The cysteine residue is moderately conserved and there is a large physicochemical difference between cysteine and glycine.

NM_004453.4(ETFDH):c.352T>G (p.Cys118Gly)

Gene: ETFDH (electron transfer flavoprotein dehydrogenase; plus strand). Cytogenetic location: 4q32.1.
Variant type: single nucleotide variant.
Coding change: c.352T>G on transcript NM_004453.4 (MANE Select); coding-DNA position 352, T replaced by G.
Protein change: p.Cys118Gly; replaces cysteine 118 with glycine.
Molecular consequence: missense variant.
Genome position (GRCh38, 1-based): chr4:158,682,371, T>G. VCF-style: chr4-158682371-T-G. GRCh37 (hg19) VCF-style: chr4-159603523-T-G.
Other names: c.211T>G, p.Cys71Gly (NM_001281737.2); c.169T>G, p.Cys57Gly (NM_001281738.1); short protein forms C118G, C71G, C57G.
Identifiers: ClinVar variation 1410330 (VCV001410330.8), dbSNP rs2150305281, ClinGen allele CA358574415.